The following is an entry in ClinVar:

NM_006312.6(NCOR2):c.3911C>T (p.Thr1304Met)

Genes: NCOR2 (nuclear receptor corepressor 2; minus strand), LOC124849275 (Sharpr-MPRA regulatory region 3491; plus strand). Cytogenetic location: 12q24.31.
Variant type: single nucleotide variant.
Coding change: c.3911C>T on transcript NM_006312.6 (MANE Select); coding-DNA position 3911, C replaced by T.
Protein change: p.Thr1304Met; replaces threonine 1304 with methionine.
Molecular consequence: missense variant.
Genome position (GRCh38, 1-based): chr12:124,348,248, G>A on the plus strand (C>T on the coding strand, the complement: NCOR2 is on the minus strand). VCF-style: chr12-124348248-G-A. GRCh37 (hg19) VCF-style: chr12-124832794-G-A.
Other names: c.3881C>T, p.Thr1294Met (NM_001077261.4, NM_001206654.2); short protein forms T1294M, T1304M.
Identifiers: ClinVar variation 3049101 (VCV003049101.3), dbSNP rs186612391, ClinGen allele CA6868451.

ClinVar aggregate classification (germline): Uncertain significance. Review status: criteria provided, single submitter (1 of 4 stars). 2 submissions from 2 submitters: Uncertain significance (1). 1 of the submissions does not count toward it. Last evaluated 2025-08-07.

Conditions:
NCOR2-related disorder. Also called: NCOR2-related condition.

Allele frequency attached by ClinVar (database versions not stated): gnomAD exomes 0.00026; ExAC 0.00086; ESP Exome Variant Server 0.00218; gnomAD 0.00251; 1000 Genomes Project 0.00260; 1000 Genomes Project 30x 0.00265; TOPMed 0.00279.
gnomAD v4.1: 763 of 1,613,256 alleles (0.047%); highest among the groups gnomAD compares: African/African-American, 0.87%; 5 homozygotes.

Submissions (2):

Ambry Genetics
Classification: Uncertain significance. Last evaluated: 2025-08-07. Review status: criteria provided, single submitter. Criteria: Ambry Variant Classification Scheme 2023. Collection method: clinical testing. Allele origin: germline.

PreventionGenetics, part of Exact Sciences
Classification: Benign for NCOR2-related condition. Last evaluated: 2019-03-22. Review status: no assertion criteria provided. Collection method: clinical testing. Allele origin: germline. Not counted in ClinVar's aggregate classification.
Comment: This variant is classified as benign based on ACMG/AMP sequence variant interpretation guidelines (Richards et al. 2015 PMID: 25741868, with internal and published modifications).